The following is an entry in ClinVar:

ClinVar aggregate classification (germline): Uncertain significance (1 of 4 stars; one submission).

Conditions:
Inborn genetic diseases. Identifiers: MedGen C0950123, MeSH D030342.

Submission:

Ambry Genetics
Classification: Uncertain significance for Inborn genetic diseases. Last evaluated: 2024-02-25. Review status: criteria provided, single submitter. Criteria: Ambry Variant Classification Scheme 2023. Collection method: clinical testing. Allele origin: germline.
Comment: The p.L2473F variant (also known as c.7419G>C), located in coding exon 50 of the LRRK2 gene, results from a G to C substitution at nucleotide position 7419. The leucine at codon 2473 is replaced by phenylalanine, an amino acid with highly similar properties. This amino acid position is conserved. In addition, this alteration is predicted to be tolerated by in silico analysis. Based on the available evidence, the clinical significance of this alteration remains unclear.

NM_198578.4(LRRK2):c.7419G>C (p.Leu2473Phe)

Gene: LRRK2 (leucine rich repeat kinase 2; plus strand). Cytogenetic location: 12q12.
Variant type: single nucleotide variant.
Coding change: c.7419G>C on transcript NM_198578.4 (MANE Select); coding-DNA position 7419, G replaced by C.
Protein change: p.Leu2473Phe; replaces leucine 2473 with phenylalanine.
Molecular consequence: missense variant.
Genome position (GRCh38, 1-based): chr12:40,367,034, G>C. VCF-style: chr12-40367034-G-C. GRCh37 (hg19) VCF-style: chr12-40760836-G-C.
Other names: short protein forms L2473F.
Identifiers: ClinVar variation 3229791 (VCV003229791.1), dbSNP rs2500058248, ClinGen allele CA384415731.